The following is an entry in ClinVar:

NM_007294.4(BRCA1):c.4357+10_4357+11insAAAAAGGTGTGTATTGGCTCTCCCTCTCCCTCTCCCTCTCCCTCTCCCTCTCCCTCTCCCTCTCCCTCTNNNNNNNNNNNNNNNNNNNNNNNNAAAAAAAAAAAAAAAAAAAAAAA

Gene: BRCA1 (BRCA1 DNA repair associated; minus strand). Cytogenetic location: 17q21.31.
Variant type: Insertion.
Coding change: c.4357+10_4357+11insAAAAAGGTGTGTATTGGCTCTCCCTCTCCCTCTCCCTCTCCCTCTCCCTCTCCCTCTCCCTCTCCCTCTNNNNNNNNNNNNNNNNNNNNNNNNAAAAAAAAAAAAAAAAAAAAAAA on transcript NM_007294.4 (MANE Select); bases 10 to 11 of the intron after coding-DNA position 4357, AAAAAGGTGTGTATTGGCTCTCCCTCTCCCTCTCCCTCTCCCTCTCCCTCTCCCTCTCCCTCTCCCTCTNNNNNNNNNNNNNNNNNNNNNNNNAAAAAAAAAAAAAAAAAAAAAAA inserted.
Molecular consequence: splice donor variant.
Genome position: GRCh38: chr17:43,082,409-43,082,410. GRCh37 (hg19): chr17:41,234,426-41,234,427.
Other names: c.4090+10_4090+11insAAAAAGGTGTGTATTGGCTCTCCCTCTCCCTCTCCCTCTCCCTCTCCCTCTCCCTCTCCCTCTCCCTCTNNNNNNNNNNNNNNNNNNNNNNNNAAAAAAAAAAAAAAAAAAAAAAA (NM_001407930.1, NM_001407933.1, NM_001407931.1 and 3 more transcripts); c.4213+10_4213+11insAAAAAGGTGTGTATTGGCTCTCCCTCTCCCTCTCCCTCTCCCTCTCCCTCTCCCTCTCCCTCTCCCTCTNNNNNNNNNNNNNNNNNNNNNNNNAAAAAAAAAAAAAAAAAAAAAAA (NM_001407843.1, NM_001407751.1, NM_001407740.1 and 23 more transcripts); c.907+10_907+11insAAAAAGGTGTGTATTGGCTCTCCCTCTCCCTCTCCCTCTCCCTCTCCCTCTCCCTCTCCCTCTCCCTCTNNNNNNNNNNNNNNNNNNNNNNNNAAAAAAAAAAAAAAAAAAAAAAA (NM_001408456.1, NM_001408410.1, NM_001408458.1 and 8 more transcripts); c.4216+10_4216+11insAAAAAGGTGTGTATTGGCTCTCCCTCTCCCTCTCCCTCTCCCTCTCCCTCTCCCTCTCCCTCTCCCTCTNNNNNNNNNNNNNNNNNNNNNNNNAAAAAAAAAAAAAAAAAAAAAAA (NM_001407733.1, NM_001407942.1, NM_001407694.1 and 23 more transcripts); c.904+10_904+11insAAAAAGGTGTGTATTGGCTCTCCCTCTCCCTCTCCCTCTCCCTCTCCCTCTCCCTCTCCCTCTCCCTCTNNNNNNNNNNNNNNNNNNNNNNNNAAAAAAAAAAAAAAAAAAAAAAA (NM_001408465.1, NM_001408463.1, NM_001408462.1 and 5 more transcripts); c.838+10_838+11insAAAAAGGTGTGTATTGGCTCTCCCTCTCCCTCTCCCTCTCCCTCTCCCTCTCCCTCTCCCTCTCCCTCTNNNNNNNNNNNNNNNNNNNNNNNNAAAAAAAAAAAAAAAAAAAAAAA (NM_001408482.1, NM_001408484.1, NM_001408478.1 and 6 more transcripts); c.4093+10_4093+11insAAAAAGGTGTGTATTGGCTCTCCCTCTCCCTCTCCCTCTCCCTCTCCCTCTCCCTCTCCCTCTCCCTCTNNNNNNNNNNNNNNNNNNNNNNNNAAAAAAAAAAAAAAAAAAAAAAA (NM_001407920.1, NM_001407927.1, NM_001407923.1 and 7 more transcripts); c.4021+10_4021+11insAAAAAGGTGTGTATTGGCTCTCCCTCTCCCTCTCCCTCTCCCTCTCCCTCTCCCTCTCCCTCTCCCTCTNNNNNNNNNNNNNNNNNNNNNNNNAAAAAAAAAAAAAAAAAAAAAAA (NM_001407954.1, NM_001407952.1, NM_001407957.1 and 3 more transcripts); and 51 more.
Identifiers: ClinVar variation 1057993 (VCV001057993.10), dbSNP rs2154143923.

ClinVar aggregate classification (germline): Uncertain significance (1 of 4 stars; one submission).

Conditions:
Hereditary breast ovarian cancer syndrome. Also called: Hereditary breast and/or ovarian cancer syndrome; Breast and ovarian cancer; BRCA1- and BRCA2-Associated Hereditary Breast and Ovarian Cancer; Hereditary breast and ovarian cancer syndrome; Hereditary breast and ovarian cancer syndrome (HBOC); Hereditary breast and ovarian cancer. Identifiers: Orphanet 145, MedGen C0677776, MeSH D061325, MONDO:0003582. Disease mechanism: loss of function.

Submission:

Labcorp Genetics (formerly Invitae), Labcorp
Classification: Uncertain significance for Hereditary breast ovarian cancer syndrome. Last evaluated: 2022-01-12. Review status: criteria provided, single submitter. Criteria: Invitae Variant Classification Sherloc (09022015). Collection method: clinical testing. Allele origin: germline.
Comment: In summary, the available evidence is currently insufficient to determine the role of this variant in disease. Therefore, it has been classified as a Variant of Uncertain Significance. ClinVar contains an entry for this variant (Variation ID: 1057993). This variant has not been reported in the literature in individuals affected with BRCA1-related conditions. This variant is not present in population databases (gnomAD no frequency). This sequence change falls in intron 12 of the BRCA1 gene. It does not directly change the encoded amino acid sequence of the BRCA1 protein.